The following is an entry in ClinVar:

ClinVar aggregate classification (germline): Uncertain significance (1 of 4 stars; one submission).

Conditions:
Hereditary cancer-predisposing syndrome. Also called: Neoplastic Syndromes, Hereditary; Tumor predisposition; Hereditary Cancer Syndrome; Hereditary neoplastic syndrome. Identifiers: Orphanet 140162, MedGen C0027672, MeSH D009386, MONDO:0015356.

Submission:

Color Diagnostics, LLC DBA Color Health
Classification: Uncertain significance for Hereditary cancer-predisposing syndrome. Last evaluated: 2024-03-06. Review status: criteria provided, single submitter. Criteria: ACMG Guidelines, 2015. Collection method: clinical testing. Allele origin: germline.
Comment: This missense variant replaces phenylalanine with leucine at codon 1500 of the APC protein. Computational prediction tool is inconclusive regarding the impact of this variant on protein structure and function (internally defined REVEL score threshold 0.5 < inconclusive < 0.7, PMID: 27666373). Splice site prediction tools suggest that this variant may not impact RNA splicing. To our knowledge, functional studies have not been performed for this variant. This variant has not been reported in individuals affected with hereditary cancer in the literature. This variant has not been identified in the general population by the Genome Aggregation Database (gnomAD). The available evidence is insufficient to determine the role of this variant in disease conclusively. Therefore, this variant is classified as a Variant of Uncertain Significance.

NM_000038.6(APC):c.4500T>G (p.Phe1500Leu)

Gene: APC (APC regulator of Wnt signaling pathway; plus strand). Cytogenetic location: 5q22.2.
Variant type: single nucleotide variant.
Coding change: c.4500T>G on transcript NM_000038.6 (MANE Select); coding-DNA position 4500, T replaced by G.
Protein change: p.Phe1500Leu; replaces phenylalanine 1500 with leucine.
Molecular consequence: missense variant.
Genome position (GRCh38, 1-based): chr5:112,840,094, T>G. VCF-style: chr5-112840094-T-G. GRCh37 (hg19) VCF-style: chr5-112175791-T-G.
Other names: c.4377T>G, p.Phe1459Leu (NM_001354900.2); c.4323T>G, p.Phe1441Leu (NM_001354901.2); c.4227T>G, p.Phe1409Leu (NM_001354902.2); c.4197T>G, p.Phe1399Leu (NM_001354903.2); c.4122T>G, p.Phe1374Leu (NM_001354904.2); c.4020T>G, p.Phe1340Leu (NM_001354905.2); c.3651T>G, p.Phe1217Leu (NM_001354906.2); c.4500T>G, p.Phe1500Leu (NM_001127510.3, NM_001354895.2); and 5 more; short protein forms F1510L, F1217L, F1340L, F1399L, F1459L, F1482L, F1518L, F1475L.
Identifiers: ClinVar variation 922089 (VCV000922089.4), dbSNP rs1765696686, ClinGen allele CA16031179.